The following is an entry in ClinVar:

NM_002691.4(POLD1):c.-44_-36delinsACACGGCGA

Genes: POLD1 (DNA polymerase delta 1, catalytic subunit; plus strand), LOC130064984 (ATAC-STARR-seq lymphoblastoid silent region 10961; plus strand). Cytogenetic location: 19q13.33.
Variant type: Indel.
Coding change: c.-44_-36delinsACACGGCGA on transcript NM_002691.4 (MANE Select); 44 bases upstream of the start codon through 36 bases upstream of the start codon, TCACGGCGG replaced by ACACGGCGA.
Molecular consequence: 5 prime UTR variant. On other transcripts: non-coding transcript variant (1).
Genome position (GRCh38, 1-based): chr19:50,384,348-50,384,356, TCACGGCGG replaced by ACACGGCGA. VCF-style: chr19-50384348-TCACGGCGG-ACACGGCGA. GRCh37 (hg19) VCF-style: chr19-50887605-TCACGGCGG-ACACGGCGA.
Other names: c.-47_-39delinsACACGGCGA (NM_001256849.1).
Identifiers: ClinVar variation 423128 (VCV000423128.2), dbSNP rs1064796251, ClinGen allele CA16620880.

ClinVar aggregate classification (germline): Uncertain significance (1 of 4 stars; one submission).

Submission:

GeneDx
Classification: Uncertain significance. Last evaluated: 2017-01-25. Review status: criteria provided, single submitter. Criteria: GeneDx Variant Classification (06012015). Collection method: clinical testing. Allele origin: germline. Affected: yes.
Comment: This variant is denoted POLD1 c.-44_-36delTCACGGCGGinsACACGGCGA and consists of a deletion and insertion of nine nucleotides at -44 to -36 base pairs upstream of the ATG translational start site in the 5' untranslated region (UTR). This variant has not, to our knowledge, been published in the literature as pathogenic or benign. POLD1 c.-44_-36delTCACGGCGGinsACACGGCGA occurs with the variant nucleotides at positions that are conserved. Based on currently available information, it is unclear whether POLD1 c.-44_-36delTCACGGCGGinsACACGGCGA is pathogenic or benign. We consider it to be a variant of uncertain significance.